The following is an entry in ClinVar:

ClinVar aggregate classification (germline): Pathogenic/Likely pathogenic. Review status: criteria provided, multiple submitters, no conflicts (2 of 4 stars). 5 submissions from 5 submitters: Pathogenic (3); Likely pathogenic (2). Last evaluated 2025-09-26.

Conditions:
Atypical hemolytic-uremic syndrome. Identifiers: Orphanet 2134, MedGen C2931788, MONDO:0016244.
Mesangiocapillary glomerulonephritis. Also called: Membranoproliferative glomerulonephritis. Identifiers: MedGen C0017662, MONDO:0002461, HP:0000793.
Immunoglobulin-mediated membranoproliferative glomerulonephritis. Also called: NEPHROTIC SYNDROME, TYPE 7, WITH MEMBRANOPROLIFERATIVE GLOMERULONEPHRITIS; Nephrotic syndrome, type 7. Identifiers: Orphanet 329903, MedGen C3554330, MONDO:0014005, OMIM 615008.

Submissions (5):

Genomenon, Inc
Classification: Pathogenic for Primary membranoproliferative glomerulonephritis. Last evaluated: 2025-09-26. Review status: criteria provided, single submitter. Criteria: Genomenon Sequence Variant Interpretation Standards - Updated. Collection method: curation. Allele origin: germline. Affected: yes.
Comment: DGKE p.Asn356LysfsTer6 (c.1068_1071del) is a frameshift variant that results in the production of a truncated protein which is predicted to undergo nonsense-mediated mRNA decay. This variant has been observed in at least one proband affected with a DGKE-related disorder (PMID:37466676;37433757). It is absent or not present at a significant frequency in gnomAD. In conclusion, we classify DGKE p.Asn356LysfsTer6 (c.1068_1071del) as a pathogenic variant.

Labcorp Genetics (formerly Invitae), Labcorp
Classification: Pathogenic. Last evaluated: 2025-09-23. Review status: criteria provided, single submitter. Criteria: Invitae Variant Classification Sherloc (09022015). Collection method: clinical testing. Allele origin: germline.
Comment: This sequence change creates a premature translational stop signal (p.Asn356Lysfs*6) in the DGKE gene. It is expected to result in an absent or disrupted protein product. Loss-of-function variants in DGKE are known to be pathogenic (PMID: 23274426, 23542698). This variant is present in population databases (rs764747885, gnomAD 0.002%). This premature translational stop signal has been observed in individual(s) with DGKE-related conditions (PMID: 34269512, 36988693, 37433757, 37466676). ClinVar contains an entry for this variant (Variation ID: 1322206). For these reasons, this variant has been classified as Pathogenic.

Fulgent Genetics
Classification: Likely pathogenic for Immunoglobulin-mediated membranoproliferative glomerulonephritis. Last evaluated: 2021-07-16. Review status: criteria provided, single submitter. Criteria: ACMG Guidelines, 2015. Collection method: clinical testing. Allele origin: unknown.

Juno Genomics, Hangzhou Juno Genomics, Inc
Classification: Pathogenic for Immunoglobulin-mediated membranoproliferative glomerulonephritis. Review status: criteria provided, single submitter. Criteria: ACMG Guidelines, 2015. Collection method: clinical testing. Allele origin: germline. Affected: yes.
Comment: Absent from controls (or at extremely low frequency if recessive) in Genome Aggregation Database, Exome Sequencing Project, 1000 Genomes Project, or Exome Aggregation Consortium.;Null variant in a gene where loss of function (LOF) is a known mechanism of disease.;For recessive disorders, detected in trans with a pathogenic variant.

Neuberg Centre For Genomic Medicine, NCGM
Classification: Likely pathogenic for Immunoglobulin-mediated membranoproliferative glomerulonephritis. Review status: criteria provided, single submitter. Criteria: ACMG Guidelines, 2015. Collection method: clinical testing. Allele origin: germline. Inheritance: Autosomal recessive inheritance. Affected: yes.
Comment: The frame shift c.1068_1071del (p.Asn356LysfsTer6) variant has not been reported previously as a pathogenic variant nor as a benign variant, to our knowledge. The p.Asn356LysfsTer6 variant is reported with the allele frequency (0.0008%) in the gnomAD and novel in 1000 genome database. This variant has been reported to the ClinVar database as Pathogenic, additional details are not provided for individual assessment. This variant causes a frameshift starting with codon Asparagine 356, changes this amino acid to Lysine residue, and creates a premature Stop codon at position 6 of the new reading frame, denoted p.Asn356LysfsTer6. This variant is predicted to cause loss of normal protein function through protein truncation. Loss of function variants have been previously reported to be disease causing. For these reasons, this variant has been classified as Likely Pathogenic.

Literature cited by the submitters: PubMed 37466676 (cited by Genomenon, Inc and Labcorp Genetics (formerly Invitae), Labcorp); PubMed 37433757 (cited by Genomenon, Inc and Labcorp Genetics (formerly Invitae), Labcorp); PubMed 23274426 (cited by Labcorp Genetics (formerly Invitae), Labcorp); PubMed 23542698 (cited by Labcorp Genetics (formerly Invitae), Labcorp); PubMed 34269512 (cited by Labcorp Genetics (formerly Invitae), Labcorp); PubMed 36988693 (cited by Labcorp Genetics (formerly Invitae), Labcorp).

NM_003647.3(DGKE):c.1068_1071del (p.Asn356fs)

Gene: DGKE (diacylglycerol kinase epsilon; plus strand). Cytogenetic location: 17q22.
Variant type: Deletion.
Coding change: c.1068_1071del on transcript NM_003647.3 (MANE Select); coding-DNA positions 1068 to 1071, 4 bases deleted (TAAA; older notation c.1068_1071delTAAA).
Protein change: p.Asn356fs; shifts the reading frame from asparagine 356.
Molecular consequence: frameshift variant.
Genome position (GRCh38, 1-based): chr17:56,849,202-56,849,205, TAAA deleted; deleting any 4 consecutive bases within chr17:56,849,199-56,849,205 gives the same sequence; the c. name uses the placement nearest the transcript's 3' end. VCF-style (leftmost placement, unchanged base first): chr17-56849198-CAAAT-C. GRCh37 (hg19) VCF-style: chr17-54926559-CAAAT-C.
Other names: short protein forms N356fs.
Identifiers: ClinVar variation 1322206 (VCV001322206.7), dbSNP rs764747885, ClinGen allele CA8663695.